The following is an entry in ClinVar:

NM_004655.4(AXIN2):c.719A>G (p.Lys240Arg)

Gene: AXIN2 (axin 2; minus strand). Cytogenetic location: 17q24.1.
Variant type: single nucleotide variant.
Coding change: c.719A>G on transcript NM_004655.4 (MANE Select); coding-DNA position 719, A replaced by G.
Protein change: p.Lys240Arg; replaces lysine 240 with arginine.
Molecular consequence: missense variant.
Genome position (GRCh38, 1-based): chr17:65,557,902, T>C on the plus strand (A>G on the coding strand, the complement: AXIN2 is on the minus strand). VCF-style: chr17-65557902-T-C. GRCh37 (hg19) VCF-style: chr17-63554020-T-C.
Other names: c.719A>G, p.Lys240Arg (NM_001363813.1); c.719A>G (LRG_296t1); short protein forms K240R.
Identifiers: ClinVar variation 408827 (VCV000408827.30), dbSNP rs746819327, ClinGen allele CA8719005.

ClinVar aggregate classification (germline): Conflicting classifications of pathogenicity. Review status: criteria provided, conflicting classifications (1 of 4 stars). 7 submissions from 7 submitters: Uncertain significance (6); Benign (1). Last evaluated 2026-05-22.

Conditions:
AXIN2-related disorder.
Oligodontia-cancer predisposition syndrome. Also called: TOOTH AGENESIS-COLORECTAL CANCER SYNDROME. Identifiers: Orphanet 300576, MedGen C1837750, MONDO:0012075, OMIM 608615. Disease mechanism: loss of function.
Colorectal cancer. Also called: Colorectal cancer, somatic; Malignant Colorectal Neoplasm. Identifiers: MedGen C0346629, MONDO:0005575, OMIM 114500.
Hereditary cancer-predisposing syndrome. Also called: Neoplastic Syndromes, Hereditary; Tumor predisposition; Hereditary Cancer Syndrome; Hereditary neoplastic syndrome. Identifiers: Orphanet 140162, MedGen C0027672, MeSH D009386, MONDO:0015356.

Allele frequency attached by ClinVar (database versions not stated): gnomAD exomes 0.00002 and 0.00004; gnomAD 0.00003 and 0.00004; ExAC 0.00005; TOPMed 0.00005.
gnomAD v4.1: 45 of 1,614,122 alleles (0.0028%); highest among the groups gnomAD compares: Non-Finnish European, 0.0011%; no homozygotes.

Submissions (7):

PreventionGenetics, part of Exact Sciences
Classification: Uncertain significance for AXIN2-related condition. Last evaluated: 2026-05-22. Review status: criteria provided, single submitter. Criteria: ACMG Guidelines, 2015. Collection method: clinical testing. Allele origin: germline.
Comment: The AXIN2 c.719A>G variant is predicted to result in the amino acid substitution p.Lys240Arg. To our knowledge, this variant has not been reported in the literature. This variant is reported in 0.068% of alleles in individuals of Ashkenazi Jewish descent in gnomAD and is classified as uncertain in ClinVar (Variation ID: 408827). At this time, the clinical significance of this variant is uncertain due to the absence of conclusive functional and genetic evidence.

Ambry Genetics
Classification: Benign for Hereditary cancer-predisposing syndrome. Last evaluated: 2026-03-25. Review status: criteria provided, single submitter. Criteria: Ambry Variant Classification Scheme 2023. Collection method: clinical testing. Allele origin: germline.

Labcorp Genetics (formerly Invitae), Labcorp
Classification: Uncertain significance for Oligodontia-cancer predisposition syndrome. Last evaluated: 2026-01-25. Review status: criteria provided, single submitter. Criteria: Invitae Variant Classification Sherloc (09022015). Collection method: clinical testing. Allele origin: germline.
Comment: This sequence change replaces lysine, which is basic and polar, with arginine, which is basic and polar, at codon 240 of the AXIN2 protein (p.Lys240Arg). This variant is present in population databases (rs746819327, gnomAD 0.07%). This variant has not been reported in the literature in individuals affected with AXIN2-related conditions. ClinVar contains an entry for this variant (Variation ID: 408827). Invitae Evidence Modeling of protein sequence and biophysical properties (such as structural, functional, and spatial information, amino acid conservation, physicochemical variation, residue mobility, and thermodynamic stability) indicates that this missense variant is not expected to disrupt AXIN2 protein function with a negative predictive value of 80%. In summary, the available evidence is currently insufficient to determine the role of this variant in disease. Therefore, it has been classified as a Variant of Uncertain Significance.

Quest Diagnostics Nichols Institute San Juan Capistrano
Classification: Uncertain significance. Last evaluated: 2025-07-31. Review status: criteria provided, single submitter. Criteria: Quest Diagnostics criteria. Collection method: clinical testing. Allele origin: unknown.
Comment: The AXIN2 c.719A>G (p.Lys240Arg) variant has not been reported in individuals with AXIN2-related conditions in the published literature. The frequency of this variant in the general population (Genome Aggregation Database) is higher than would generally be expected for pathogenic variants in this gene. Analysis of this variant using bioinformatics tools for the prediction of the effect of amino acid changes on protein structure and function yielded predictions that this variant is benign. Additional analysis using software algorithms for the prediction of the effect of nucleotide changes on BRCA2 mRNA splicing yielded predictions that this variant may result in the gain of a cryptic splice site without affecting the natural splice sites. Based on the available information, we are unable to determine the clinical significance of this variant.

GeneDx
Classification: Uncertain significance. Last evaluated: 2025-02-20. Review status: criteria provided, single submitter. Criteria: GeneDx Variant Classification Process June 2021. Collection method: clinical testing. Allele origin: germline. Affected: yes.
Comment: In silico analysis indicates that this missense variant does not alter protein structure/function; Has not been previously published as pathogenic or benign to our knowledge

Fulgent Genetics
Classification: Uncertain significance for Colorectal cancer; Oligodontia-cancer predisposition syndrome. Last evaluated: 2024-01-10. Review status: criteria provided, single submitter. Criteria: ACMG Guidelines, 2015. Collection method: clinical testing. Allele origin: germline.

Sema4
Classification: Uncertain significance for Hereditary cancer-predisposing syndrome. Last evaluated: 2022-01-31. Review status: criteria provided, single submitter. Criteria: Sema4 Curation Guidelines. Collection method: curation. Allele origin: germline.
Comment: The AXIN2 c.719A>G (p.K240R) variant has not been reported in the literature to our knowledge. It was observed in 7/10368 chromosomes in the Ashkenazi Jewish population according to the Genome Aggregation Database (PMID: 32461654). This variant has been reported in ClinVar (Variation ID: 408827). In silico tools suggest the impact of the variant on protein function is benign, though these predictions have not been confirmed by functional studies. Algorithms developed to predict the effect of sequence changes on RNA splicing suggest that this variant may create or strengthen a splice site, but this prediction has not been confirmed by functional studies. The evidence is insufficient to meet ACMG/AMP criteria for classifying the variant as benign or pathogenic. Thus, the clinical significance of this variant is currently uncertain.